The following is an entry in ClinVar:

ClinVar aggregate classification (germline): Uncertain significance (1 of 4 stars; one submission).

Submission:

GeneDx
Classification: Uncertain significance. Last evaluated: 2026-01-23. Review status: criteria provided, single submitter. Criteria: GeneDx Variant Classification Process June 2021. Collection method: clinical testing. Allele origin: germline.
Comment: Not observed at significant frequency in large population cohorts (gnomAD); In silico analysis supports that this missense variant has a deleterious effect on protein structure/function; Has not been previously published as pathogenic or benign to our knowledge

NM_000173.7(GP1BA):c.569T>A (p.Leu190His)

Gene: GP1BA (glycoprotein Ib platelet subunit alpha; plus strand). Cytogenetic location: 17p13.2.
Variant type: single nucleotide variant.
Coding change: c.569T>A on transcript NM_000173.7 (MANE Select); coding-DNA position 569, T replaced by A.
Protein change: p.Leu190His; replaces leucine 190 with histidine.
Molecular consequence: missense variant.
Genome position (GRCh38, 1-based): chr17:4,933,173, T>A. VCF-style: chr17-4933173-T-A. GRCh37 (hg19) VCF-style: chr17-4836468-T-A.
Other names: short protein forms L190H.
Identifiers: ClinVar variation 4975572 (VCV004975572.1).